The following is an entry in ClinVar:

ClinVar aggregate classification (germline): Uncertain significance. Review status: criteria provided, multiple submitters, no conflicts (2 of 4 stars). 2 submissions from 2 submitters: Uncertain significance (2). Last evaluated 2022-08-12.

Allele frequency attached by ClinVar (database versions not stated): gnomAD exomes below 0.00001 and 0.00001; ExAC 0.00001; gnomAD 0.00003; TOPMed 0.00005; ESP Exome Variant Server 0.00008.
gnomAD v4.1: 15 of 1,613,978 alleles (0.00093%); highest among the groups gnomAD compares: African/African-American, 0.0027%; no homozygotes.

Submissions (2):

Labcorp Genetics (formerly Invitae), Labcorp
Classification: Uncertain significance. Last evaluated: 2022-08-12. Review status: criteria provided, single submitter. Criteria: Invitae Variant Classification Sherloc (09022015). Collection method: clinical testing. Allele origin: germline.
Comment: This sequence change replaces glycine, which is neutral and non-polar, with serine, which is neutral and polar, at codon 382 of the EIF2B5 protein (p.Gly382Ser). This variant is present in population databases (rs372909017, gnomAD 0.003%). This variant has not been reported in the literature in individuals affected with EIF2B5-related conditions. ClinVar contains an entry for this variant (Variation ID: 493379). Advanced modeling of protein sequence and biophysical properties (such as structural, functional, and spatial information, amino acid conservation, physicochemical variation, residue mobility, and thermodynamic stability) performed at Invitae indicates that this missense variant is not expected to disrupt EIF2B5 protein function. Algorithms developed to predict the effect of sequence changes on RNA splicing suggest that this variant may create or strengthen a splice site. In summary, the available evidence is currently insufficient to determine the role of this variant in disease. Therefore, it has been classified as a Variant of Uncertain Significance.

CeGaT Center for Human Genetics Tuebingen
Classification: Uncertain significance. Last evaluated: 2017-07-01. Review status: criteria provided, single submitter. Criteria: CeGaT Center For Human Genetics Tuebingen Variant Classification Criteria Version 2. Collection method: clinical testing. Allele origin: germline. Affected: yes. Observed: 1 variant allele.

NM_003907.3(EIF2B5):c.1144G>A (p.Gly382Ser)

Gene: EIF2B5 (eukaryotic translation initiation factor 2B subunit epsilon; plus strand). Cytogenetic location: 3q27.1.
Variant type: single nucleotide variant.
Coding change: c.1144G>A on transcript NM_003907.3 (MANE Select); coding-DNA position 1144, G replaced by A.
Protein change: p.Gly382Ser; replaces glycine 382 with serine.
Molecular consequence: missense variant.
Genome position (GRCh38, 1-based): chr3:184,140,718, G>A. VCF-style: chr3-184140718-G-A. GRCh37 (hg19) VCF-style: chr3-183858506-G-A.
Other names: short protein forms G382S.
Identifiers: ClinVar variation 493379 (VCV000493379.44), dbSNP rs372909017, ClinGen allele CA2726590.
Genomic context (GRCh38, chr3:184,140,718, plus strand): 5'-CTGGGCTCTGGCACTGTCATTGGCAGCAATTGCTTTATCACCAACAGTGTCATTGGCCCC[G>A]GCTGCCACATTGGTGAGCACAGGTGGGGAATCAAGCCAACTATCCTAGGAACAGGAACCT-3'
Protein context (NP_003898.2, residues 372-392): CFITNSVIGP[Gly382Ser]CHIGDNVVLD